The following is an entry in ClinVar:

NM_005633.4(SOS1):c.1493A>G (p.Lys498Arg)

Gene: SOS1 (SOS Ras/Rac guanine nucleotide exchange factor 1; minus strand). Cytogenetic location: 2p22.1.
Variant type: single nucleotide variant.
Coding change: c.1493A>G on transcript NM_005633.4 (MANE Select); coding-DNA position 1493, A replaced by G.
Protein change: p.Lys498Arg; replaces lysine 498 with arginine.
Molecular consequence: missense variant.
Genome position (GRCh38, 1-based): chr2:39,022,935, T>C on the plus strand (A>G on the coding strand, the complement: SOS1 is on the minus strand). VCF-style: chr2-39022935-T-C. GRCh37 (hg19) VCF-style: chr2-39250076-T-C.
Other names: c.1493A>G, p.Lys498Arg (NM_001382395.1); c.1472A>G, p.Lys491Arg (NM_001382394.1); short protein forms K498R, K491R.
Identifiers: ClinVar variation 2746302 (VCV002746302.3), dbSNP rs2529036821, ClinGen allele CA346366048.

ClinVar aggregate classification (germline): Uncertain significance (1 of 4 stars; one submission).

Conditions:
RASopathy. Also called: rasopathies; Noonan spectrum disorder. Identifiers: Orphanet 536391, MedGen C5555857, MONDO:0021060.

Submission:

Labcorp Genetics (formerly Invitae), Labcorp
Classification: Uncertain significance for RASopathy. Last evaluated: 2023-07-25. Review status: criteria provided, single submitter. Criteria: Invitae Variant Classification Sherloc (09022015). Collection method: clinical testing. Allele origin: germline.
Comment: This sequence change replaces lysine, which is basic and polar, with arginine, which is basic and polar, at codon 498 of the SOS1 protein (p.Lys498Arg). This variant is not present in population databases (gnomAD no frequency). This variant has not been reported in the literature in individuals affected with SOS1-related conditions. Advanced modeling of protein sequence and biophysical properties (such as structural, functional, and spatial information, amino acid conservation, physicochemical variation, residue mobility, and thermodynamic stability) has been performed at Invitae for this missense variant, however the output from this modeling did not meet the statistical confidence thresholds required to predict the impact of this variant on SOS1 protein function. In summary, the available evidence is currently insufficient to determine the role of this variant in disease. Therefore, it has been classified as a Variant of Uncertain Significance.